The following is an entry in ClinVar:

ClinVar aggregate classification (germline): Likely benign (1 of 4 stars; one submission).

Submission:

Women's Health and Genetics/Laboratory Corporation of America, LabCorp
Classification: Likely benign. Last evaluated: 2026-04-21. Review status: criteria provided, single submitter. Criteria: LabCorp Variant Classification Summary - May 2015. Collection method: clinical testing. Allele origin: germline.
Comment: Variant summary: TNXB c.1536C>T alters a conserved nucleotide resulting in a synonymous change. Consensus agreement among computation tools predict no significant impact on normal splicing. However, these predictions have yet to be confirmed by functional studies. The variant was absent in 148744 control chromosomes. The available data on variant occurrences in the general population are insufficient to allow any conclusion about variant significance. To our knowledge, no occurrence of c.1536C>T in individuals affected with TNXB-related conditions and no experimental evidence demonstrating its impact on protein function have been reported. No submitters have cited clinical-significance assessments for this variant to ClinVar. Based on the evidence outlined above, the variant was classified as likely benign.

NM_001365276.2(TNXB):c.1536C>T (p.Cys512=)

Gene: TNXB (tenascin XB; minus strand). Cytogenetic location: 6p21.33.
Variant type: single nucleotide variant.
Coding change: c.1536C>T on transcript NM_001365276.2 (MANE Select); coding-DNA position 1536, C replaced by T.
Protein change: p.Cys512=; no amino-acid change (cysteine 512 retained).
Molecular consequence: synonymous variant.
Genome position (GRCh38, 1-based): chr6:32,096,317, G>A on the plus strand (C>T on the coding strand, the complement: TNXB is on the minus strand). VCF-style: chr6-32096317-G-A. GRCh37 (hg19) VCF-style: chr6-32064094-G-A.
Other names: c.1536C>T, p.Cys512= (NM_001428335.1, NM_019105.8).
Identifiers: ClinVar variation 4848354 (VCV004848354.1).